The following is an entry in ClinVar:

ClinVar aggregate classification (germline): Uncertain significance (1 of 4 stars; one submission).

Conditions:
Anemia, nonspherocytic hemolytic, due to G6PD deficiency (CNSHA1). Also called: Hemolytic anemia due to G6PD deficiency; ANEMIA, CONGENITAL, NONSPHEROCYTIC HEMOLYTIC, 1; Class I glucose-6-phosphate dehydrogenase deficiency; Favism, susceptibility to. Identifiers: Orphanet 466026, MedGen C2720289, MONDO:0010480, OMIM 300908.

Submission:

Labcorp Genetics (formerly Invitae), Labcorp
Classification: Uncertain significance for Anemia, nonspherocytic hemolytic, due to G6PD deficiency. Last evaluated: 2022-05-21. Review status: criteria provided, single submitter. Criteria: Invitae Variant Classification Sherloc (09022015). Collection method: clinical testing. Allele origin: germline.
Comment: In summary, the available evidence is currently insufficient to determine the role of this variant in disease. Therefore, it has been classified as a Variant of Uncertain Significance. Algorithms developed to predict the effect of sequence changes on RNA splicing suggest that this variant may disrupt the consensus splice site. This variant has not been reported in the literature in individuals affected with G6PD-related conditions. This variant is not present in population databases (gnomAD no frequency). This sequence change affects codon 85 of the G6PD mRNA. It is a 'silent' change, meaning that it does not change the encoded amino acid sequence of the G6PD protein.

NM_001360016.2(G6PD):c.255G>A (p.Glu85=)

Gene: G6PD (glucose-6-phosphate dehydrogenase; minus strand). Cytogenetic location: Xq28.
Variant type: single nucleotide variant.
Coding change: c.255G>A on transcript NM_001360016.2 (MANE Select); coding-DNA position 255, G replaced by A.
Protein change: p.Glu85=; no amino-acid change (glutamic acid 85 retained).
Molecular consequence: synonymous variant.
Genome position (GRCh38, 1-based): chrX:154,535,949, C>T on the plus strand (G>A on the coding strand, the complement: G6PD is on the minus strand). VCF-style: chrX-154535949-C-T. GRCh37 (hg19) VCF-style: chrX-153764164-C-T.
Other names: c.345G>A, p.Glu115= (NM_000402.4); c.255G>A, p.Glu85= (NM_001042351.3).
Identifiers: ClinVar variation 1997704 (VCV001997704.4), dbSNP rs2523272658, ClinGen allele CA519308652.